The following is an entry in ClinVar:

NM_016169.4(SUFU):c.92C>G (p.Pro31Arg)

Genes: SUFU (SUFU negative regulator of hedgehog signaling; plus strand), LOC130004614 (ATAC-STARR-seq lymphoblastoid silent region 2764; plus strand). Cytogenetic location: 10q24.32.
Variant type: single nucleotide variant.
Coding change: c.92C>G on transcript NM_016169.4 (MANE Select); coding-DNA position 92, C replaced by G.
Protein change: p.Pro31Arg; replaces proline 31 with arginine.
Molecular consequence: missense variant.
Genome position (GRCh38, 1-based): chr10:102,504,244, C>G. VCF-style: chr10-102504244-C-G. GRCh37 (hg19) VCF-style: chr10-104264001-C-G.
Other names: c.92C>G, p.Pro31Arg (NM_001178133.2); short protein forms P31R.
Identifiers: ClinVar variation 3802911 (VCV003802911.1).

ClinVar aggregate classification (germline): Uncertain significance (1 of 4 stars; one submission).

Conditions:
Hereditary cancer-predisposing syndrome. Also called: Neoplastic Syndromes, Hereditary; Hereditary Cancer Syndrome; Tumor predisposition; Hereditary neoplastic syndrome. Identifiers: Orphanet 140162, MedGen C0027672, MeSH D009386, MONDO:0015356.

Submission:

Ambry Genetics
Classification: Uncertain significance for Hereditary cancer-predisposing syndrome. Last evaluated: 2025-03-07. Review status: criteria provided, single submitter. Criteria: Ambry Variant Classification Scheme 2023. Collection method: clinical testing. Allele origin: germline.
Comment: The p.P31R variant (also known as c.92C>G), located in coding exon 1 of the SUFU gene, results from a C to G substitution at nucleotide position 92. The proline at codon 31 is replaced by arginine, an amino acid with dissimilar properties. This amino acid position is conserved. In addition, the in silico prediction for this alteration is inconclusive. Based on the available evidence, the clinical significance of this variant remains unclear.